The following is an entry in ClinVar:

ClinVar aggregate classification (germline): Conflicting classifications of pathogenicity. Review status: criteria provided, conflicting classifications (1 of 4 stars). 2 submissions from 2 submitters: Uncertain significance (1); Benign (1). Last evaluated 2025-02-16.

Conditions:
Schuurs-Hoeijmakers syndrome. Also called: PACS1-Related Neurodevelopmental Disorder. Identifiers: Orphanet 329224, MedGen C3554343, MONDO:0014006, OMIM 615009.

gnomAD v4.1: 7 of 1,613,896 alleles (0.00043%); highest among the groups gnomAD compares: Non-Finnish European, 0.00059%; no homozygotes.

Submissions (2):

Laboratory of Genetics, Children's Clinical University Hospital Latvia
Classification: Benign. Last evaluated: 2025-02-16. Review status: criteria provided, single submitter. Criteria: ACMG Guidelines, 2015. Collection method: clinical testing. Allele origin: germline. Affected: yes.

Labcorp Genetics (formerly Invitae), Labcorp
Classification: Uncertain significance for Schuurs-Hoeijmakers syndrome. Last evaluated: 2023-06-04. Review status: criteria provided, single submitter. Criteria: Invitae Variant Classification Sherloc (09022015). Collection method: clinical testing. Allele origin: germline.
Comment: This variant has not been reported in the literature in individuals affected with PACS1-related conditions. Advanced modeling of protein sequence and biophysical properties (such as structural, functional, and spatial information, amino acid conservation, physicochemical variation, residue mobility, and thermodynamic stability) has been performed at Invitae for this missense variant, however the output from this modeling did not meet the statistical confidence thresholds required to predict the impact of this variant on PACS1 protein function. This sequence change replaces arginine, which is basic and polar, with glycine, which is neutral and non-polar, at codon 315 of the PACS1 protein (p.Arg315Gly). This variant is not present in population databases (gnomAD no frequency). In summary, the available evidence is currently insufficient to determine the role of this variant in disease. Therefore, it has been classified as a Variant of Uncertain Significance.

NM_018026.4(PACS1):c.943C>G (p.Arg315Gly)

Gene: PACS1 (phosphofurin acidic cluster sorting protein 1; plus strand). Cytogenetic location: 11q13.2.
Variant type: single nucleotide variant.
Coding change: c.943C>G on transcript NM_018026.4 (MANE Select); coding-DNA position 943, C replaced by G.
Protein change: p.Arg315Gly; replaces arginine 315 with glycine.
Molecular consequence: missense variant.
Genome position (GRCh38, 1-based): chr11:66,216,740, C>G. VCF-style: chr11-66216740-C-G. GRCh37 (hg19) VCF-style: chr11-65984211-C-G.
Other names: short protein forms R315G.
Identifiers: ClinVar variation 2816130 (VCV002816130.4), dbSNP rs371513573, ClinGen allele CA381351504.